The following is an entry in ClinVar:

ClinVar aggregate classification (germline): Uncertain significance. Review status: criteria provided, multiple submitters, no conflicts (2 of 4 stars). 5 submissions from 5 submitters: Uncertain significance (5). Last evaluated 2025-08-29.

Conditions:
TH-deficient dopa-responsive dystonia. Also called: Segawa syndrome, autosomal recessive; DYT-TH; Tyrosine Hydroxylase-Deficient Dopa-Responsive Dystonia. Identifiers: Orphanet 101150, MedGen C2673535, MONDO:0011551, OMIM 605407.

Allele frequency attached by ClinVar (database versions not stated): ESP Exome Variant Server 0.00008.
gnomAD v4.1: 154 of 1,612,886 alleles (0.0095%); highest among the groups gnomAD compares: Middle Eastern, 0.05%; no homozygotes.

Submissions (5):

GeneDx
Classification: Uncertain significance. Last evaluated: 2025-08-29. Review status: criteria provided, single submitter. Criteria: GeneDx Variant Classification Process June 2021. Collection method: clinical testing. Allele origin: germline. Affected: yes.
Comment: In silico analysis suggests that this missense variant does not alter protein structure/function; This variant is associated with the following publications: (PMID: 34426522, 27185167, 28726809)

CeGaT Center for Human Genetics Tuebingen
Classification: Uncertain significance. Last evaluated: 2025-01-01. Review status: criteria provided, single submitter. Criteria: CeGaT Center For Human Genetics Tuebingen Variant Classification Criteria Version 2. Collection method: clinical testing. Allele origin: germline. Affected: yes. Observed: 1 variant allele.
Comment: TH: PM2

Department of Pathology and Laboratory Medicine, Sinai Health System
Classification: Uncertain significance for TH-deficient dopa-responsive dystonia. Last evaluated: 2023-03-01. Review status: criteria provided, single submitter. Criteria: ACMG Guidelines, 2015. Collection method: research. Allele origin: germline.

Labcorp Genetics (formerly Invitae), Labcorp
Classification: Uncertain significance for TH-deficient dopa-responsive dystonia. Last evaluated: 2022-05-03. Review status: criteria provided, single submitter. Criteria: Invitae Variant Classification Sherloc (09022015). Collection method: clinical testing. Allele origin: germline.
Comment: This sequence change replaces alanine, which is neutral and non-polar, with serine, which is neutral and polar, at codon 471 of the TH protein (p.Ala471Ser). This variant is present in population databases (rs374465917, gnomAD 0.01%). This missense change has been observed in individual(s) with dopa-responsive dystonia and Parkinson's disease (PMID: 27185167, 28726809). This variant is also known as c.G1318T, p.A440S. ClinVar contains an entry for this variant (Variation ID: 1304569). Algorithms developed to predict the effect of missense changes on protein structure and function (SIFT, PolyPhen-2, Align-GVGD) all suggest that this variant is likely to be disruptive. In summary, the available evidence is currently insufficient to determine the role of this variant in disease. Therefore, it has been classified as a Variant of Uncertain Significance.

Fulgent Genetics
Classification: Uncertain significance for TH-deficient dopa-responsive dystonia. Last evaluated: 2021-12-03. Review status: criteria provided, single submitter. Criteria: ACMG Guidelines, 2015. Collection method: clinical testing. Allele origin: unknown.

Literature cited by the submitters: PubMed 27185167 (cited by Labcorp Genetics (formerly Invitae), Labcorp); PubMed 28726809 (cited by Labcorp Genetics (formerly Invitae), Labcorp).

NM_000360.4(TH):c.1318G>T (p.Ala440Ser)

Gene: TH (tyrosine hydroxylase; minus strand). Cytogenetic location: 11p15.5.
Variant type: single nucleotide variant.
Coding change: c.1318G>T on transcript NM_000360.4 (MANE Select); coding-DNA position 1318, G replaced by T.
Protein change: p.Ala440Ser; replaces alanine 440 with serine.
Molecular consequence: missense variant.
Genome position (GRCh38, 1-based): chr11:2,165,248, C>A on the plus strand (G>T on the coding strand, the complement: TH is on the minus strand). VCF-style: chr11-2165248-C-A. GRCh37 (hg19) VCF-style: chr11-2186478-C-A.
Other names: c.1411G>T, p.Ala471Ser (NM_199292.3); c.1399G>T, p.Ala467Ser (NM_199293.3); short protein forms A440S, A467S, A471S.
Identifiers: ClinVar variation 1304569 (VCV001304569.19), dbSNP rs374465917, ClinGen allele CA5818303.